The following is an entry in ClinVar:

NM_015662.3(IFT172):c.529G>A (p.Val177Ile)

Gene: IFT172 (intraflagellar transport 172; minus strand). Cytogenetic location: 2p23.3.
Variant type: single nucleotide variant.
Coding change: c.529G>A on transcript NM_015662.3 (MANE Select); coding-DNA position 529, G replaced by A.
Protein change: p.Val177Ile; replaces valine 177 with isoleucine.
Molecular consequence: missense variant.
Genome position (GRCh38, 1-based): chr2:27,483,330, C>T on the plus strand (G>A on the coding strand, the complement: IFT172 is on the minus strand). VCF-style: chr2-27483330-C-T. GRCh37 (hg19) VCF-style: chr2-27706197-C-T.
Other names: c.529G>A (NM_015662.2, NM_015662.1); short protein forms V177I.
Identifiers: ClinVar variation 1051756 (VCV001051756.12), dbSNP rs754880269, ClinGen allele CA1580944.

ClinVar aggregate classification (germline): Conflicting classifications of pathogenicity. Review status: criteria provided, conflicting classifications (1 of 4 stars). 6 submissions from 6 submitters: Uncertain significance (5); Likely benign (1). Last evaluated 2026-09-10.

Conditions:
Retinitis pigmentosa 71 (RP71). Identifiers: Orphanet 791, MedGen C4225342, MONDO:0014618, OMIM 616394.
Short-rib thoracic dysplasia 10 with or without polydactyly (SRTD10). Identifiers: Orphanet 474, MedGen C3810175, MONDO:0014284, OMIM 615630.
Bardet-Biedl syndrome 20. Identifiers: MedGen C4310707, MONDO:0023670, OMIM 619471, MONDO:0014926.
IFT172-related disorder. Also called: IFT172-related disorders; IFT172-related condition.
Inborn genetic diseases. Identifiers: MedGen C0950123, MeSH D030342.

Allele frequency attached by ClinVar (database versions not stated): gnomAD 0.00001 and 0.00002; TOPMed 0.00001; ExAC 0.00010.

Submissions (6):

PreventionGenetics, part of Exact Sciences
Classification: Uncertain significance for IFT172-related condition. Last evaluated: 2026-09-10. Review status: criteria provided, single submitter. Criteria: ACMG Guidelines, 2015. Collection method: clinical testing. Allele origin: germline.
Comment: The IFT172 c.529G>A variant is predicted to result in the amino acid substitution p.Val177Ile. To our knowledge, this variant has not been reported in the literature. This variant is reported in 0.043% of alleles in individuals of Latino descent in gnomAD. At this time, the clinical significance of this variant is uncertain due to the absence of conclusive functional and genetic evidence.

GeneDx
Classification: Uncertain significance. Last evaluated: 2026-07-31. Review status: criteria provided, single submitter. Criteria: GeneDx Variant Classification Process June 2021. Collection method: clinical testing. Allele origin: germline.
Comment: In silico analysis suggests that this missense variant does not alter protein structure/function; Has not been previously published as pathogenic or benign to our knowledge

Labcorp Genetics (formerly Invitae), Labcorp
Classification: Likely benign for Retinitis pigmentosa 71; Short-rib thoracic dysplasia 10 with or without polydactyly. Last evaluated: 2026-01-26. Review status: criteria provided, single submitter. Criteria: Invitae Variant Classification Sherloc (09022015). Collection method: clinical testing. Allele origin: germline.

Ambry Genetics
Classification: Uncertain significance for Inborn genetic diseases. Last evaluated: 2025-06-24. Review status: criteria provided, single submitter. Criteria: Ambry Variant Classification Scheme 2023. Collection method: clinical testing. Allele origin: germline.

Fulgent Genetics
Classification: Uncertain significance for Short-rib thoracic dysplasia 10 with or without polydactyly; Retinitis pigmentosa 71; Bardet-Biedl syndrome 20. Last evaluated: 2024-04-26. Review status: criteria provided, single submitter. Criteria: ACMG Guidelines, 2015. Collection method: clinical testing. Allele origin: germline.

Blueprint Genetics
Classification: Uncertain significance. Last evaluated: 2019-09-25. Review status: criteria provided, single submitter. Criteria: ACMG Guidelines, 2015. Collection method: clinical testing. Allele origin: germline.